The following is an entry in ClinVar:

NM_006031.6(PCNT):c.5699G>C (p.Arg1900Pro)

Gene: PCNT (pericentrin; plus strand). Cytogenetic location: 21q22.3.
Variant type: single nucleotide variant.
Coding change: c.5699G>C on transcript NM_006031.6 (MANE Select); coding-DNA position 5699, G replaced by C.
Protein change: p.Arg1900Pro; replaces arginine 1900 with proline.
Molecular consequence: missense variant.
Genome position (GRCh38, 1-based): chr21:46,411,772, G>C. VCF-style: chr21-46411772-G-C. GRCh37 (hg19) VCF-style: chr21-47831686-G-C.
Other names: c.5345G>C, p.Arg1782Pro (NM_001315529.2); short protein forms R1782P, R1900P.
Identifiers: ClinVar variation 4985714 (VCV004985714.1).

ClinVar aggregate classification (germline): Uncertain significance (1 of 4 stars; one submission).

Conditions:
PCNT-related disorder. Also called: PCNT-related condition.

gnomAD v4.1: 1 of 1,606,008 alleles (0.000062%); highest among the groups gnomAD compares: African/African-American, 0.0013%; no homozygotes.

Submission:

PreventionGenetics, part of Exact Sciences
Classification: Uncertain significance for PCNT-related condition. Last evaluated: 2026-03-03. Review status: criteria provided, single submitter. Criteria: ACMG Guidelines, 2015. Collection method: clinical testing. Allele origin: germline.
Comment: The PCNT c.5699G>C variant is predicted to result in the amino acid substitution p.Arg1900Pro. To our knowledge, this variant has not been reported in the literature or in a large population database (gnomAD), indicating this variant is rare. At this time, the clinical significance of this variant is uncertain due to the absence of conclusive functional and genetic evidence.